The following is an entry in ClinVar:

ClinVar aggregate classification (germline): Uncertain significance (1 of 4 stars; one submission).

Allele frequency attached by ClinVar (database versions not stated): ESP Exome Variant Server 0.00008; gnomAD 0.00009; ExAC 0.00018; TOPMed 0.00020; 1000 Genomes Project 0.00040; 1000 Genomes Project 30x 0.00047.
gnomAD v4.1: 117 of 1,613,818 alleles (0.0072%); highest among the groups gnomAD compares: Admixed American, 0.09%; no homozygotes.

Submission:

Labcorp Genetics (formerly Invitae), Labcorp
Classification: Uncertain significance. Last evaluated: 2022-09-01. Review status: criteria provided, single submitter. Criteria: Invitae Variant Classification Sherloc (09022015). Collection method: clinical testing. Allele origin: germline.
Comment: This sequence change replaces arginine, which is basic and polar, with tryptophan, which is neutral and slightly polar, at codon 182 of the C6 protein (p.Arg182Trp). This variant is present in population databases (rs141862960, gnomAD 0.1%). This variant has not been reported in the literature in individuals affected with C6-related conditions. ClinVar contains an entry for this variant (Variation ID: 1035557). Algorithms developed to predict the effect of missense changes on protein structure and function are either unavailable or do not agree on the potential impact of this missense change (SIFT: "Deleterious"; PolyPhen-2: "Probably Damaging"; Align-GVGD: "Class C0"). Algorithms developed to predict the effect of sequence changes on RNA splicing suggest that this variant may disrupt the consensus splice site. In summary, the available evidence is currently insufficient to determine the role of this variant in disease. Therefore, it has been classified as a Variant of Uncertain Significance.

NM_000065.5(C6):c.544C>T (p.Arg182Trp)

Gene: C6 (complement C6; minus strand). Cytogenetic location: 5p13.1.
Variant type: single nucleotide variant.
Coding change: c.544C>T on transcript NM_000065.5 (MANE Select); coding-DNA position 544, C replaced by T.
Protein change: p.Arg182Trp; replaces arginine 182 with tryptophan.
Molecular consequence: missense variant.
Genome position (GRCh38, 1-based): chr5:41,195,835, G>A on the plus strand (C>T on the coding strand, the complement: C6 is on the minus strand). VCF-style: chr5-41195835-G-A. GRCh37 (hg19) VCF-style: chr5-41195937-G-A.
Other names: c.544C>T, p.Arg182Trp (NM_001115131.4); short protein forms R182W.
Identifiers: ClinVar variation 1035557 (VCV001035557.4), dbSNP rs141862960, ClinGen allele CA3252752.